The following is an entry in ClinVar:

NM_001029896.2(WDR45):c.437G>A (p.Gly146Glu)

Gene: WDR45 (WD repeat domain 45; minus strand). Cytogenetic location: Xp11.23.
Variant type: single nucleotide variant.
Coding change: c.437G>A on transcript NM_001029896.2 (MANE Select); coding-DNA position 437, G replaced by A.
Protein change: p.Gly146Glu; replaces glycine 146 with glutamic acid.
Molecular consequence: missense variant.
Genome position (GRCh38, 1-based): chrX:49,075,945, C>T on the plus strand (G>A on the coding strand, the complement: WDR45 is on the minus strand). VCF-style: chrX-49075945-C-T. GRCh37 (hg19) VCF-style: chrX-48933604-C-T.
Other names: c.440G>A, p.Gly147Glu (NM_007075.4); short protein forms G146E, G147E.
Identifiers: ClinVar variation 3359125 (VCV003359125.3).

ClinVar aggregate classification (germline): Likely pathogenic (1 of 4 stars; one submission).

Conditions:
Neurodegeneration with brain iron accumulation 5 (NBIA5). Also called: STATIC ENCEPHALOPATHY OF CHILDHOOD WITH NEURODEGENERATION IN ADULTHOOD; Beta-propeller protein-associated neurodegeneration. Identifiers: Orphanet 329284, MedGen C3550973, MONDO:0010476, OMIM 300894.

Submission:

Institute of Human Genetics, University of Leipzig Medical Center
Classification: Likely pathogenic for Neurodegeneration with brain iron accumulation 5. Last evaluated: 2024-05-29. Review status: criteria provided, single submitter. Criteria: ACMG Guidelines, 2015. Collection method: clinical testing. Allele origin: de novo. Affected: yes.
Comment: Criteria applied: PS2_MOD, PM5_SUP, PM2, PM4; RNA aanalysis confirmed leaky splicing: r.[437g>a, 436_437ins[437-33,437-1,a]], p.[(Gly146Glu;Lys145_Gly146insAlaAlaHisProThrProHisLeuHisThrLeu)]